The following is an entry in ClinVar:

ClinVar aggregate classification (germline): Conflicting classifications of pathogenicity. Review status: criteria provided, conflicting classifications (1 of 4 stars). 16 submissions from 15 submitters: Uncertain significance (12); Likely benign (1). 3 of the submissions do not count toward it. Last evaluated 2026-08-06.

Conditions:
COL4A3-related disorder. Also called: COL4A3-Related Disorders; COL4A3-related condition.
Hematuria, benign familial, 2 (BFH2). Identifiers: MedGen C5830421, MONDO:0958186, OMIM 620320.
Autosomal recessive Alport syndrome (ATS2). Also called: COL4A3-Related Nephropathy; Alport syndrome type 2; ALPORT SYNDROME 2, AUTOSOMAL RECESSIVE; COL4A4 Alport Syndrome and Thin Basement Membrane Nephropathy. Identifiers: Orphanet 63, Orphanet 88919, MedGen C4746745, MONDO:0008762, OMIM 203780.
Autosomal dominant Alport syndrome (ATS3A). Also called: ALPORT SYNDROME 3A, AUTOSOMAL DOMINANT; Alport syndrome dominant type; Renal failure and sensorineural hearing loss. Identifiers: Orphanet 63, Orphanet 88918, MedGen C5882663, MONDO:0007086, OMIM 104200.
Benign familial hematuria. Also called: thin basement membrane disease. Identifiers: MedGen C0241908, MONDO:0957317.
Alport syndrome. Also called: Hemorrhagic familial nephritis; Hemorrhagic hereditary nephritis; Congenital hereditary hematuria. Identifiers: Orphanet 63, MedGen C1567741, MONDO:0018965.
Alport syndrome 3b, autosomal recessive. Identifiers: MedGen C5882699, MONDO:0957811, OMIM 620536.

Allele frequency attached by ClinVar (database versions not stated): gnomAD 0.00022 and 0.00024; 1000 Genomes Project 0.00040; ExAC 0.00017; ESP Exome Variant Server 0.00017; gnomAD exomes 0.00025 and 0.00018; TOPMed 0.00029; 1000 Genomes Project 30x 0.00031.
gnomAD v4.1: 313 of 1,614,208 alleles (0.019%); highest among the groups gnomAD compares: Middle Eastern, 0.12%; 2 homozygotes.

Submissions (16):

OLLIN Analises Genomicas, OLLIN
Classification: Uncertain significance for Hematuria, benign familial, 2. Last evaluated: 2026-08-06. Review status: criteria provided, single submitter. Criteria: ACMG Guidelines 2015 PMID 25741868. Collection method: clinical testing. Allele origin: germline. Inheritance: Autosomal dominant inheritance.
Comment: This missense variant, located in exon 49 (of 52), has been reported in ClinVar (accession VCV000499789.29) and in gnomAD with an allele frequency of 0.019%. However, to our knowledge, it has not been reported in the scientific literature. In silico analysis predicts that this variant has a deleterious effect. According to the currently available evidence, this variant has been classified as uncertain significance (PM2_P, PP3_M, BS1).

Myriad Genetics, Inc.
Classification: Uncertain significance for Alport syndrome. Last evaluated: 2026-02-20. Review status: criteria provided, single submitter. Criteria: Myriad Autosomal Dominant, Autosomal Recessive and X-Linked Classification Criteria (2023). Collection method: clinical testing. Allele origin: unknown.
Comment: NM_000091.4(COL4A3):c.4510T>C(F1504L) is a missense variant classified as a variant of uncertain significance in the context of Alport syndrome, COL4A3-related. F1504L has been observed in cases with relevant disease (PMID: 25307543, 34013111). Relevant functional assessments of this variant are not available in the literature. F1504L has been observed in referenced population frequency databases. In summary, there is insufficient evidence to classify NM_000091.4(COL4A3):c.4510T>C(F1504L) as pathogenic or benign. Please note: this variant was assessed in the context of healthy population screening.

Labcorp Genetics (formerly Invitae), Labcorp
Classification: Likely benign. Last evaluated: 2026-02-02. Review status: criteria provided, single submitter. Criteria: Invitae Variant Classification Sherloc (09022015). Collection method: clinical testing. Allele origin: germline.

PreventionGenetics, part of Exact Sciences
Classification: Uncertain significance for COL4A3-related condition. Last evaluated: 2025-11-06. Review status: criteria provided, single submitter. Criteria: ACMG Guidelines, 2015. Collection method: clinical testing. Allele origin: germline.
Comment: The COL4A3 c.4510T>C variant is predicted to result in the amino acid substitution p.Phe1504Leu. This variant has been reported in the heterozygous state in individuals with COL4A3 related nephropathies (Table S1, Sá et al. 2015. PubMed ID: 25307543; Mitrotti et al. 2023. PubMed ID: 38338714; Table S2, Blasco Pelicano et al. 2024. PubMed ID: 38972501). Variable expressivity or reduced penetrance is likely as the variant was noted to segregate with end stage renal disease (ESRD) in a parent and child in which the child also had childhood IgA nephropathy and was also noted in another unrelated individual who had childhood IgA nephropathy without evidence of ESRD (Cambier et al. 2021. PubMed ID: 34013111). This variant is reported in 0.097% of alleles in individuals of Ashkenazi Jewish descent in gnomAD, including over 300 heterozygotes and 2 homozygotes in the larger gnomAD v4.1.0 database. This variant has conflicting classifications in ClinVar ranging from likely benign to uncertain (Variation ID: 499789). At this time, the clinical significance of this variant is uncertain due to the absence of conclusive functional and genetic evidence.

GeneDx
Classification: Uncertain significance. Last evaluated: 2025-05-05. Review status: criteria provided, single submitter. Criteria: GeneDx Variant Classification Process June 2021. Collection method: clinical testing. Allele origin: germline. Affected: yes.
Comment: Observed in the heterozygous state without a second variant in patients with renal disease in published literature; however, additional patient-specific clinical information not provided (PMID: 25307543, 38972501, 38338714, 36938085); In silico analysis supports that this missense variant has a deleterious effect on protein structure/function; This variant is associated with the following publications: (PMID: 34426522, 32483926, 25307543, 38338714, 30476936, 38972501, 36938085, 34013111)

Blueprint Genetics
Classification: Uncertain significance. Last evaluated: 2024-10-15. Review status: criteria provided, single submitter. Criteria: ACMG Guidelines, 2015. Collection method: clinical testing. Allele origin: germline.

Fulgent Genetics
Classification: Uncertain significance for Autosomal dominant Alport syndrome; Hematuria, benign familial, 2; Alport syndrome 3b, autosomal recessive. Last evaluated: 2024-06-17. Review status: criteria provided, single submitter. Criteria: ACMG Guidelines, 2015. Collection method: clinical testing. Allele origin: germline.

Women's Health and Genetics/Laboratory Corporation of America, LabCorp
Classification: Uncertain significance. Last evaluated: 2022-05-26. Review status: criteria provided, single submitter. Criteria: LabCorp Variant Classification Summary - May 2015. Collection method: clinical testing. Allele origin: germline.
Comment: Variant summary: COL4A3 c.4510T>C (p.Phe1504Leu) results in a non-conservative amino acid change located in the Collagen IV, non-collagenous domain (IPR001442) of the encoded protein sequence. Five of five in-silico tools predict a damaging effect of the variant on protein function. The variant allele was found at a frequency of 0.00025 in 249428 control chromosomes. This frequency is not significantly higher than estimated for a pathogenic variant in COL4A3 causing Alport Syndrome, Autosomal Recessive (0.00025 vs 0.0019), allowing no conclusion about variant significance. c.4510T>C has been reported in the literature as a non-informative genotype (second allele not specified) and a classification of VUS in at-least one individual within a cohort of Portuguese families with Alport Syndrome and Thin Basement Membrane Nephropathy analyzed for COL4A3 and COL4A4 variations (example, Nabais_2015). These report(s) do not provide unequivocal conclusions about association of the variant with Alport Syndrome, Autosomal Recessive. To our knowledge, no experimental evidence demonstrating an impact on protein function has been reported. Seven clinical diagnostic laboratories have submitted clinical-significance assessments for this variant to ClinVar after 2014 without evidence for independent evaluation. All laboratories classified the variant as uncertain significance. Based on the evidence outlined above, the variant was classified as uncertain significance.

Mendelics
Classification: Uncertain significance for Autosomal recessive Alport syndrome. Last evaluated: 2019-05-28. Review status: criteria provided, single submitter. Criteria: Mendelics Assertion Criteria 2017. Collection method: clinical testing. Allele origin: unknown.

Fulgent Genetics
Classification: Uncertain significance for Autosomal dominant Alport syndrome; Hematuria, benign familial, 1; Autosomal recessive Alport syndrome. Last evaluated: 2018-10-31. Review status: criteria provided, single submitter. Criteria: ACMG Guidelines, 2015. Collection method: clinical testing. Allele origin: unknown.

Laboratory for Molecular Medicine, Mass General Brigham Personalized Medicine
Classification: Uncertain significance. Last evaluated: 2018-10-09. Review status: criteria provided, single submitter. Criteria: LMM Criteria. Collection method: clinical testing. Allele origin: germline. Observed: 1 variant allele.
Comment: It has also been identified in several populations by gnomAD, inclu ding 0.09% (9/10150) of Ashkenazi Jewish chromosomes and 0.02% (30/126604) of Eu ropean chromosomes. Computational prediction tools and conservation analysis suggest that this variant may impact the protein , though this information is not predictive enough to determine pathogenicity. I n summary, the clinical significance of this variant is uncertain. ACMG/AMP Crit eria applied: PP3, BS1_Supporting.

Illumina Laboratory Services, Illumina
Classification: Uncertain significance for Alport syndrome. Last evaluated: 2017-04-28. Review status: criteria provided, single submitter. Criteria: ICSL Variant Classification Criteria 13 December 2019. Collection method: clinical testing. Allele origin: germline.
Comment: This variant was observed as part of a predisposition screen in an ostensibly healthy population. A literature search was performed for the gene, cDNA change, and amino acid change (where applicable). Publications were found based on this search. However, the evidence from the literature, in combination with allele frequency data from public databases where available, was not sufficient to rule this variant in or out of causing disease. Therefore, this variant is classified as a variant of unknown significance.

Eurofins Ntd Llc (ga)
Classification: Uncertain significance. Last evaluated: 2017-02-28. Review status: criteria provided, single submitter. Criteria: EGL Classification Definitions 2015. Collection method: clinical testing. Allele origin: germline. Observed: 1 variant allele, 1 heterozygote.

Natera, Inc.
Classification: Uncertain significance for Alport syndrome. Last evaluated: 2020-01-19. Review status: no assertion criteria provided. Collection method: clinical testing. Allele origin: germline. Not counted in ClinVar's aggregate classification.

Clinical Genetics DNA and cytogenetics Diagnostics Lab, Erasmus MC, Erasmus Medical Center
Classification: Uncertain significance. Review status: no assertion criteria provided. Collection method: clinical testing. Allele origin: germline. Affected: yes. Study: VKGL Data-share Consensus. Not counted in ClinVar's aggregate classification.

Diagnostic Laboratory, Department of Genetics, University Medical Center Groningen
Classification: Uncertain significance. Review status: no assertion criteria provided. Collection method: clinical testing. Allele origin: germline. Affected: yes. Study: VKGL Data-share Consensus. Not counted in ClinVar's aggregate classification.

Literature cited by the submitters: PubMed 25307543 (cited by 4 submitters); PubMed 34013111 (cited by Myriad Genetics, Inc.).

NM_000091.5(COL4A3):c.4510T>C (p.Phe1504Leu)

Genes: COL4A3 (collagen type IV alpha 3 chain; plus strand), MFF-DT (MFF divergent transcript; minus strand). Cytogenetic location: 2q36.3.
Variant type: single nucleotide variant.
Coding change: c.4510T>C on transcript NM_000091.5 (MANE Select); coding-DNA position 4510, T replaced by C.
Protein change: p.Phe1504Leu; replaces phenylalanine 1504 with leucine.
Molecular consequence: missense variant.
Genome position (GRCh38, 1-based): chr2:227,308,946, T>C. VCF-style: chr2-227308946-T-C. GRCh37 (hg19) VCF-style: chr2-228173662-T-C.
Other names: short protein forms F1504L.
Identifiers: ClinVar variation 499789 (VCV000499789.31), dbSNP rs201671013, ClinGen allele CA2147568.
Genomic context (GRCh38, chr2:227,308,946, plus strand): 5'-GATGTTTCATTAGGAACTCTTGGCAGCTGCCTGCAGCGATTTACCACAATGCCATTCTTA[T>C]TCTGCAATGTCAATGATGTATGTAATTTTGCATCTCGAAATGATTATTCATACTGGCTGT-3'
Protein context (NP_000082.2, residues 1494-1514): LQRFTTMPFL[Phe1504Leu]CNVNDVCNFA